The following is an entry in ClinVar:

ClinVar aggregate classification (germline): Uncertain significance (1 of 4 stars; one submission).

Submission:

Labcorp Genetics (formerly Invitae), Labcorp
Classification: Uncertain significance. Last evaluated: 2025-05-26. Review status: criteria provided, single submitter. Criteria: Invitae Variant Classification Sherloc (09022015). Collection method: clinical testing. Allele origin: germline.
Comment: This sequence change replaces isoleucine, which is neutral and non-polar, with methionine, which is neutral and non-polar, at codon 402 of the CAMK2B protein (p.Ile402Met). This variant is not present in population databases (gnomAD no frequency). This variant has not been reported in the literature in individuals affected with CAMK2B-related conditions. An algorithm developed to predict the effect of missense changes on protein structure and function outputs the following: PolyPhen-2: "Benign". The methionine amino acid residue is found in multiple mammalian species, which suggests that this missense change does not adversely affect protein function. In summary, the available evidence is currently insufficient to determine the role of this variant in disease. Therefore, it has been classified as a Variant of Uncertain Significance.

NM_001220.5(CAMK2B):c.1206A>G (p.Ile402Met)

Gene: CAMK2B (calcium/calmodulin dependent protein kinase II beta; minus strand). Cytogenetic location: 7p13.
Variant type: single nucleotide variant.
Coding change: c.1206A>G on transcript NM_001220.5 (MANE Select); coding-DNA position 1206, A replaced by G.
Protein change: p.Ile402Met; replaces isoleucine 402 with methionine.
Molecular consequence: missense variant. On other transcripts: intron variant (1).
Genome position (GRCh38, 1-based): chr7:44,231,025, T>C on the plus strand (A>G on the coding strand, the complement: CAMK2B is on the minus strand). VCF-style: chr7-44231025-T-C. GRCh37 (hg19) VCF-style: chr7-44270624-T-C.
Other names: c.1206A>G, p.Ile402Met (NM_001293170.2, NM_172078.3); c.1134A>G, p.Ile378Met (NM_172079.3, NM_172082.3); c.1131A>G, p.Ile377Met (NM_172080.3); c.1089A>G, p.Ile363Met (NM_172081.3); c.1017A>G, p.Ile339Met (NM_172083.3); c.946+9682A>G (NM_172084.3); short protein forms I377M, I402M, I339M, I378M, I363M.
Identifiers: ClinVar variation 4703259 (VCV004703259.1).
Genomic context (GRCh38, chr7:44,231,025, plus strand): 5'-TGCCAAGGCCGCTGGGGGGGCAAGGACTCAAGTGCAGGTACCTTTAGCGTCTTCATCCTC[T>C]ATGGTGGTATTGGCACTGTCAGAAGACTCCTGAGGAAACACGGGAGGCAGCGGGTCAGGA-3'
Protein context (NP_001211.3, residues 392-412): KESSDSANTT[Ile402Met]EDEDAKAPRV